The following is an entry in ClinVar:

ClinVar aggregate classification (germline): Pathogenic. Review status: criteria provided, multiple submitters, no conflicts (2 of 4 stars). 9 submissions from 9 submitters: Pathogenic (8). 1 of the submissions does not count toward it. Last evaluated 2026-05-13.

Conditions:
NF1-related disorder. Also called: NF1-related condition. Identifiers: MedGen CN379171.
Hereditary cancer-predisposing syndrome. Also called: Neoplastic Syndromes, Hereditary; Hereditary Cancer Syndrome; Tumor predisposition; Hereditary neoplastic syndrome. Identifiers: Orphanet 140162, MedGen C0027672, MeSH D009386, MONDO:0015356.
Cardiovascular phenotype. Identifiers: MedGen CN230736.
Neurofibromatosis, type 1 (NF1). Also called: Peripheral type neurofibromatosis; Neurofibromatosis, type I; VON RECKLINGHAUSEN DISEASE; NEUROFIBROMATOSIS, TYPE I, SOMATIC. Identifiers: Orphanet 636, MedGen C0027831, MONDO:0018975, OMIM 162200. Disease mechanism: loss of function.

Submissions (9):

Ambry Genetics
Classification: Pathogenic for Cardiovascular phenotype; Hereditary cancer-predisposing syndrome. Last evaluated: 2026-05-13. Review status: criteria provided, single submitter. Criteria: Ambry Variant Classification Scheme 2023. Collection method: clinical testing. Allele origin: germline.
Comment: The p.Q112* pathogenic mutation (also known as c.334C>T), located in coding exon 4 of the NF1 gene, results from a C to T substitution at nucleotide position 334. This changes the amino acid from a glutamine to a stop codon within coding exon 4. This variant was reported in individual(s) with features consistent with neurofibromatosis type 1 (Sabbagh A et al. Hum Mutat, 2013 Nov;34:1510-8). This variant is considered to be rare based on population cohorts in the Genome Aggregation Database (gnomAD). This alteration is expected to result in loss of function by premature protein truncation or nonsense-mediated mRNA decay. As such, this alteration is interpreted as a disease-causing mutation.

Dasa
Classification: Pathogenic. Last evaluated: 2025-11-27. Review status: criteria provided, single submitter. Criteria: DASA Assertion Criteria. Collection method: clinical testing. Allele origin: germline.
Comment: NM_001042492.3(NF1):c.334C>T (p.Gln112*) introduces a premature termination codon predicted to result in loss of normal protein function. Loss-of-function is an established mechanism of disease for this gene. This variant has been recurrently observed in individuals with related phenotype (PMID: 30530636; PMID: 23913538). The variant is present at low frequency in population datasets. Based on the available data, this variant is classified as pathogenic.

NHS Central & South Genomic Laboratory Hub
Classification: Pathogenic for Neurofibromatosis type 1. Last evaluated: 2024-07-01. Review status: criteria provided, single submitter. Criteria: ACMG Guidelines, 2015. Collection method: clinical testing. Allele origin: germline. Affected: yes.

Quest Diagnostics Nichols Institute San Juan Capistrano
Classification: Pathogenic. Last evaluated: 2024-06-29. Review status: criteria provided, single submitter. Criteria: Quest Diagnostics criteria. Collection method: clinical testing. Allele origin: unknown.
Comment: The NF1 c.334C>T (p.Gln112*) variant causes the premature termination of NF1 protein synthesis. This variant has been reported in the published literature in an individual with neurofibromatosis 1 (NF1) (PMID: 23913538 (2013)). Additionally, this variant has been identified in an individual with neurofibromatosis 1 (NF1) and breast cancer (PMID: 30530636 (2019)) and neurofibromatosis 1 (NF1) and nevoid basal cell carcinoma (PMID: 32562549 (2020)). This variant has not been reported in large, multi-ethnic general populations (Genome Aggregation Database). Based on the available information, this variant is classified as pathogenic.

Labcorp Genetics (formerly Invitae), Labcorp
Classification: Pathogenic for Neurofibromatosis, type 1. Last evaluated: 2022-05-03. Review status: criteria provided, single submitter. Criteria: Invitae Variant Classification Sherloc (09022015). Collection method: clinical testing. Allele origin: germline.
Comment: This sequence change creates a premature translational stop signal (p.Gln112*) in the NF1 gene. It is expected to result in an absent or disrupted protein product. Loss-of-function variants in NF1 are known to be pathogenic (PMID: 10712197, 23913538). For these reasons, this variant has been classified as Pathogenic. ClinVar contains an entry for this variant (Variation ID: 439975). This premature translational stop signal has been observed in individual(s) with clinical features of neurofibromatosis type 1 (PMID: 23913538). This variant is not present in population databases (gnomAD no frequency).

Genome-Nilou Lab
Classification: Pathogenic for Neurofibromatosis, type 1. Last evaluated: 2022-03-15. Review status: criteria provided, single submitter. Criteria: ACMG Guidelines, 2015. Collection method: clinical testing. Allele origin: germline. Affected: no.

ARUP Laboratories, Molecular Genetics and Genomics, ARUP Laboratories
Classification: Pathogenic. Last evaluated: 2016-09-14. Review status: criteria provided, single submitter. Criteria: ARUP Molecular Germline Variant Investigation Process. Collection method: clinical testing. Allele origin: germline.

Clinical Genetics Service, Universitary Hospital 12 de Octubre
Classification: Pathogenic for Neurofibromatosis, type 1. Review status: criteria provided, single submitter. Criteria: ACMG Guidelines, 2015. Collection method: clinical testing. Allele origin: germline. Affected: yes.

PreventionGenetics, part of Exact Sciences
Classification: Pathogenic for NF1-related condition. Last evaluated: 2024-07-22. Review status: no assertion criteria provided. Collection method: clinical testing. Allele origin: germline. Not counted in ClinVar's aggregate classification.
Comment: The NF1 c.334C>T variant is predicted to result in premature protein termination (p.Gln112*). This variant has been reported in individuals with neurofibromatosis type 1 (Table S5 - Sabbagh et al. 2013. PubMed ID: 23913538; Frayling et al. 2018. PubMed ID: 30530636; Fahsold et al. 2000. PubMed ID: 10712197). This variant has not been reported in a large population database, indicating this variant is rare. Nonsense variants in NF1 are expected to be pathogenic. This variant is interpreted as pathogenic.

Literature cited by the submitters: PubMed 23913538 (cited by 4 submitters); PubMed 30530636 (cited by Dasa and Quest Diagnostics Nichols Institute San Juan Capistrano); PubMed 32562549 (cited by Quest Diagnostics Nichols Institute San Juan Capistrano); PubMed 10712197 (cited by Labcorp Genetics (formerly Invitae), Labcorp).

NM_001042492.3(NF1):c.334C>T (p.Gln112Ter)

Gene: NF1 (neurofibromin 1; plus strand). Cytogenetic location: 17q11.2.
Variant type: single nucleotide variant.
Coding change: c.334C>T on transcript NM_001042492.3 (MANE Select); coding-DNA position 334, C replaced by T.
Protein change: p.Gln112Ter; replaces glutamine 112 with a stop codon.
Molecular consequence: nonsense.
Genome position (GRCh38, 1-based): chr17:31,163,231, C>T. VCF-style: chr17-31163231-C-T. GRCh37 (hg19) VCF-style: chr17-29490249-C-T.
Other names: c.334C>T, p.Gln112Ter (NM_000267.4, NM_001128147.3); short protein forms Q112*.
Identifiers: ClinVar variation 439975 (VCV000439975.23), dbSNP rs1555606061, ClinGen allele CA398981725.
Genomic context (GRCh38, chr17:31,163,231, plus strand): 5'-TTATTTCTATTTTAGCAACCAAAGGACACAATGAGATTAGATGAAACGATGCTGGTCAAA[C>T]AGTTGCTGCCAGAAATCTGCCATTTTCTTCACACCTGTCGTGAAGGAAACCAGCATGCAG-3'